The following is an entry in ClinVar:

ClinVar aggregate classification (germline): Uncertain significance (1 of 4 stars; one submission).

Conditions:
Bethlem myopathy 1A. Also called: MYOPATHY, BENIGN CONGENITAL, WITH CONTRACTURES; Bethlem Muscular Dystrophy; Bethlem myopathy 1. Identifiers: Orphanet 610, MedGen CN029274, MONDO:0024530, OMIM 158810.

Submission:

Labcorp Genetics (formerly Invitae), Labcorp
Classification: Uncertain significance for Bethlem myopathy 1A. Last evaluated: 2023-03-09. Review status: criteria provided, single submitter. Criteria: Invitae Variant Classification Sherloc (09022015). Collection method: clinical testing. Allele origin: germline.
Comment: This sequence change replaces valine, which is neutral and non-polar, with isoleucine, which is neutral and non-polar, at codon 1438 of the COL6A3 protein (p.Val1438Ile). Information on the frequency of this variant in the gnomAD database is not available, as this variant may be reported differently in the database. This missense change has been observed in individual(s) with clinical features of COL6A3-related conditions (Invitae). ClinVar contains an entry for this variant (Variation ID: 1442558). Experimental studies and prediction algorithms are not available or were not evaluated, and the functional significance of this variant is currently unknown. In summary, the available evidence is currently insufficient to determine the role of this variant in disease. Therefore, it has been classified as a Variant of Uncertain Significance.

NM_004369.4(COL6A3):c.4311_4312inv (p.Val1438Ile)

Gene: COL6A3 (collagen type VI alpha 3 chain; minus strand). Cytogenetic location: 2q37.3.
Variant type: Inversion.
Coding change: c.4311_4312inv on transcript NM_004369.4 (MANE Select).
Protein change: p.Val1438Ile; replaces valine 1438 with isoleucine.
Molecular consequence: missense variant.
Genome position: GRCh38 VCF-style: chr2-237369151-CA-TG. GRCh37 (hg19) VCF-style: chr2-238277794-CA-TG.
Other names: c.2490_2491inv, p.Val831Ile (NM_057166.5); c.3693_3694inv, p.Val1232Ile (NM_057167.4); short protein forms V1232I, V831I, V1438I.
Identifiers: ClinVar variation 1442558 (VCV001442558.6), ClinGen allele CA2573135593.
Genomic context (GRCh38, chr2:237,369,151, plus strand): 5'-AATCTCGAATATGTGCAAAGCCATCTGGCCTAACTCCCTCAGAGCTGTCGATCAGAAAGA[CA>TG]ATGTCTGCAGCATCACTCTCAACTGCTGCAGATCAAAGAAGAAAAAGGGAAACATTCAGT-3'
Protein context (NP_004360.2, residues 1428-1448): PAVESDAADI[Val1438Ile]FLIDSSEGVR